The following is an entry in ClinVar:

NM_001267550.2(TTN):c.98743A>G (p.Ser32915Gly)

Genes: TTN (titin; minus strand), TTN-AS1 (TTN antisense RNA 1; plus strand). Cytogenetic location: 2q31.2.
Variant type: single nucleotide variant.
Coding change: c.98743A>G on transcript NM_001267550.2 (MANE Select); coding-DNA position 98743, A replaced by G.
Protein change: p.Ser32915Gly; replaces serine 32915 with glycine.
Molecular consequence: missense variant. On other transcripts: non-coding transcript variant (1).
Genome position (GRCh38, 1-based): chr2:178,539,192, T>C on the plus strand (A>G on the coding strand, the complement: TTN is on the minus strand). VCF-style: chr2-178539192-T-C. GRCh37 (hg19) VCF-style: chr2-179403919-T-C.
Other names: c.93820A>G, p.Ser31274Gly (NM_001256850.1); c.71548A>G, p.Ser23850Gly (NM_003319.4); c.91039A>G, p.Ser30347Gly (NM_133378.4); c.71923A>G, p.Ser23975Gly (NM_133432.3); c.72124A>G, p.Ser24042Gly (NM_133437.4); short protein forms S30347G, S32915G, S23975G, S24042G, S31274G, S23850G.
Identifiers: ClinVar variation 281787 (VCV000281787.18), dbSNP rs760917372, ClinGen allele CA1986314.

ClinVar aggregate classification (germline): Conflicting classifications of pathogenicity. Review status: criteria provided, conflicting classifications (1 of 4 stars). 11 submissions from 7 submitters: Uncertain significance (9); Likely benign (2). Last evaluated 2021-04-19.

Conditions:
Cardiomyopathy (CMYO). Also called: Cardiomyopathies. Identifiers: Orphanet 167848, MedGen C0878544, MONDO:0004994, HP:0001638. Inheritance: Various modes of inheritance.
Autosomal recessive limb-girdle muscular dystrophy type 2J (LGMDR10). Also called: Limb-girdle muscular dystrophy, type 2J; MUSCULAR DYSTROPHY, LIMB-GIRDLE, AUTOSOMAL RECESSIVE 10. Identifiers: Orphanet 140922, MedGen C1837342, MONDO:0012127, OMIM 608807.
Tibial muscular dystrophy (TMD). Also called: UDD MYOPATHY; Udd Distal Myopathy – Tibial Muscular Dystrophy; Tibial muscular dystrophy, tardive. Identifiers: Orphanet 609, MedGen C1838244, MONDO:0010870, OMIM 600334.
Early-onset myopathy with fatal cardiomyopathy (CMYO5). Also called: Salih Myopathy; CONGENITAL MYOPATHY 5 WITH CARDIOMYOPATHY. Identifiers: Orphanet 289377, MedGen C2673677, MONDO:0012714, OMIM 611705. Disease mechanism: loss of function.
Myopathy, myofibrillar, 9, with early respiratory failure (MFM9). Also called: Hereditary myopathy with early respiratory failure; EDSTROM MYOPATHY; MYOPATHY, PROXIMAL, WITH EARLY RESPIRATORY MUSCLE INVOLVEMENT; Myopathy, distal, with early respiratory failure, autosomal dominant. Identifiers: Orphanet 178464, Orphanet 34521, MedGen C1863599, MONDO:0011362, OMIM 603689.
Dilated cardiomyopathy 1G (CMD1G). Identifiers: Orphanet 154, MedGen C1858763, MONDO:0011400, OMIM 604145.

Allele frequency attached by ClinVar (database versions not stated): TOPMed below 0.00001; gnomAD 0.00001.
gnomAD v4.1: 14 of 1,613,700 alleles (0.00087%); highest among the groups gnomAD compares: Middle Eastern, 0.13%; no homozygotes.

Submissions (11):

Revvity Omics, Revvity
Classification: Uncertain significance. Last evaluated: 2021-04-19. Review status: criteria provided, single submitter. Criteria: ACMG Guidelines, 2015. Collection method: clinical testing. Allele origin: germline.

Baylor Genetics
Classification: Uncertain significance for Dilated cardiomyopathy 1G. Last evaluated: 2020-06-08. Review status: criteria provided, single submitter. Criteria: ACMG Guidelines, 2015. Collection method: clinical testing. Allele origin: unknown. Affected: yes.
Comment: This variant was determined to be of uncertain significance according to ACMG Guidelines, 2015 [PMID:25741868].

Mayo Clinic Laboratories, Mayo Clinic
Classification: Uncertain significance. Last evaluated: 2019-04-15. Review status: criteria provided, single submitter. Criteria: ACMG Guidelines, 2015. Collection method: clinical testing. Allele origin: germline. Observed: 1 variant allele.

CHEO Genetics Diagnostic Laboratory, Children's Hospital of Eastern Ontario
Classification: Uncertain significance for Cardiomyopathy. Last evaluated: 2019-03-13. Review status: criteria provided, single submitter. Criteria: ACMG Guidelines, 2015. Collection method: clinical testing. Allele origin: germline.

Illumina Laboratory Services, Illumina
Classification: Likely benign for Tibial muscular dystrophy. Last evaluated: 2018-01-13. Review status: criteria provided, single submitter. Criteria: ICSL Variant Classification Criteria 13 December 2019. Collection method: clinical testing. Allele origin: germline.
Comment: This variant was observed in the ICSL laboratory as part of a predisposition screen in an ostensibly healthy population. It had not been previously curated by ICSL or reported in the Human Gene Mutation Database (HGMD: prior to June 1st, 2018), and was therefore a candidate for classification through an automated scoring system. Utilizing variant allele frequency, disease prevalence and penetrance estimates, and inheritance mode, an automated score was calculated to assess if this variant is too frequent to cause the disease. Based on the score and internal cut-off values, a variant classified as likely benign is not then subjected to further curation. The score for this variant resulted in a classification of likely benign for this disease.

Illumina Laboratory Services, Illumina
Classification: Uncertain significance for Dilated cardiomyopathy 1G. Last evaluated: 2018-01-13. Review status: criteria provided, single submitter. Criteria: ICSL Variant Classification Criteria 13 December 2019. Collection method: clinical testing. Allele origin: germline.

Illumina Laboratory Services, Illumina
Classification: Uncertain significance for Early-onset myopathy with fatal cardiomyopathy. Last evaluated: 2018-01-13. Review status: criteria provided, single submitter. Criteria: ICSL Variant Classification Criteria 13 December 2019. Collection method: clinical testing. Allele origin: germline.

Illumina Laboratory Services, Illumina
Classification: Likely benign for Myopathy, myofibrillar, 9, with early respiratory failure. Last evaluated: 2018-01-13. Review status: criteria provided, single submitter. Criteria: ICSL Variant Classification Criteria 13 December 2019. Collection method: clinical testing. Allele origin: germline.
Comment: the same text as in the submission from Illumina Laboratory Services, Illumina above.

Illumina Laboratory Services, Illumina
Classification: Uncertain significance for Autosomal recessive limb-girdle muscular dystrophy type 2J. Last evaluated: 2018-01-13. Review status: criteria provided, single submitter. Criteria: ICSL Variant Classification Criteria 13 December 2019. Collection method: clinical testing. Allele origin: germline.

Labcorp Genetics (formerly Invitae), Labcorp
Classification: Uncertain significance for Dilated cardiomyopathy 1G; Autosomal recessive limb-girdle muscular dystrophy type 2J. Last evaluated: 2017-06-05. Review status: criteria provided, single submitter. Criteria: Invitae Variant Classification Sherloc (09022015). Collection method: clinical testing. Allele origin: germline.

Eurofins Ntd Llc (ga)
Classification: Uncertain significance. Last evaluated: 2015-07-14. Review status: criteria provided, single submitter. Criteria: EGL Classification Definitions 2015. Collection method: clinical testing. Allele origin: germline. Observed: 1 variant allele, 1 heterozygote.